The following is an entry in ClinVar:

NM_000368.5(TSC1):c.1767_1770del (p.Pro590fs)

Gene: TSC1 (TSC complex subunit 1; minus strand). Cytogenetic location: 9q34.13.
Variant type: Deletion.
Coding change: c.1767_1770del on transcript NM_000368.5 (MANE Select); coding-DNA positions 1767 to 1770, 4 bases deleted (ACCT; older notation c.1767_1770delACCT).
Protein change: p.Pro590fs; shifts the reading frame from proline 590.
Molecular consequence: frameshift variant. On other transcripts: non-coding transcript variant (5).
Genome position (GRCh38, 1-based): chr9:132,905,808-132,905,811, AGGT deleted on the plus strand (ACCT on the coding strand, the reverse complement: TSC1 is on the minus strand). VCF-style (leftmost placement, unchanged base first): chr9-132905807-GAGGT-G. GRCh37 (hg19) VCF-style: chr9-135781194-GAGGT-G.
Other names: c.1767_1770del, p.Pro590fs (NM_001406592.1, NM_001406593.1, NM_001406594.1 and 7 more transcripts); c.1764_1767del, p.Pro589fs (NM_001406597.1, NM_001406598.1, NM_001406599.1 and 6 more transcripts); c.1614_1617del, p.Pro539fs (NM_001406610.1, NM_001162427.2); c.1611_1614del, p.Pro538fs (NM_001406611.1, NM_001406612.1, NM_001406613.1); c.1404_1407del, p.Pro469fs (NM_001406614.1, NM_001406615.1, NM_001406616.1 and 5 more transcripts); c.813_816del, p.Pro272fs (NM_001406628.1, NM_001406627.1); c.714_717del, p.Pro239fs (NM_001406629.1, NM_001406630.1); c.1401_1404del, p.Pro468fs (NM_001406620.1, NM_001406621.1, NM_001406622.1 and 2 more transcripts); and 1 more; short protein forms P239fs, P468fs, P538fs, P589fs, P539fs, P272fs, P273fs, P469fs.
Identifiers: ClinVar variation 4716478 (VCV004716478.1).

ClinVar aggregate classification (germline): Pathogenic (1 of 4 stars; one submission).

Conditions:
Tuberous sclerosis 1 (TSC1). Identifiers: Orphanet 805, MedGen C1854465, MONDO:0008612, OMIM 191100.

Submission:

Labcorp Genetics (formerly Invitae), Labcorp
Classification: Pathogenic for Tuberous sclerosis 1. Last evaluated: 2025-04-01. Review status: criteria provided, single submitter. Criteria: Invitae Variant Classification Sherloc (09022015). Collection method: clinical testing. Allele origin: germline.
Comment: This sequence change creates a premature translational stop signal (p.Pro590Argfs*38) in the TSC1 gene. It is expected to result in an absent or disrupted protein product. Loss-of-function variants in TSC1 are known to be pathogenic (PMID: 10227394, 17304050). This variant is not present in population databases (gnomAD no frequency). This variant has not been reported in the literature in individuals affected with TSC1-related conditions. For these reasons, this variant has been classified as Pathogenic.

Literature cited by the submitters: PubMed 10227394; PubMed 17304050.